The following is an entry in ClinVar:

ClinVar aggregate classification (germline): Pathogenic (1 of 4 stars; one submission).

Submission:

Labcorp Genetics (formerly Invitae), Labcorp
Classification: Pathogenic. Last evaluated: 2023-08-10. Review status: criteria provided, single submitter. Criteria: Invitae Variant Classification Sherloc (09022015). Collection method: clinical testing. Allele origin: germline.
Comment: For these reasons, this variant has been classified as Pathogenic. This variant has not been reported in the literature in individuals affected with CDH23-related conditions. This variant is not present in population databases (gnomAD no frequency). This sequence change creates a premature translational stop signal (p.Arg2815Leufs*22) in the CDH23 gene. It is expected to result in an absent or disrupted protein product. Loss-of-function variants in CDH23 are known to be pathogenic (PMID: 11138009, 21940737).

Literature cited by the submitters: PubMed 11138009; PubMed 21940737.

NM_022124.6(CDH23):c.8444del (p.Arg2815fs)

Gene: CDH23 (cadherin related 23; plus strand). Cytogenetic location: 10q22.1.
Variant type: Deletion.
Coding change: c.8444del on transcript NM_022124.6 (MANE Select); coding-DNA position 8444, one base deleted (G; older notation c.8444delG).
Protein change: p.Arg2815fs; shifts the reading frame from arginine 2815.
Molecular consequence: frameshift variant.
Genome position (GRCh38, 1-based): chr10:71,807,651, G deleted. VCF-style (leftmost placement, unchanged base first): chr10-71807650-CG-C. GRCh37 (hg19) VCF-style: chr10-73567407-CG-C.
Other names: c.1724del, p.Arg575fs (NM_001171933.1, NM_001171934.1); short protein forms R2815fs, R575fs.
Identifiers: ClinVar variation 2751702 (VCV002751702.3), dbSNP rs2494435806, ClinGen allele CA2697558468.